The following is an entry in ClinVar:

ClinVar aggregate classification (germline): Uncertain significance. Review status: criteria provided, multiple submitters, no conflicts (2 of 4 stars). 2 submissions from 2 submitters: Uncertain significance (2). Last evaluated 2025-09-26.

Conditions:
Atypical hemolytic-uremic syndrome. Identifiers: Orphanet 2134, MedGen C2931788, MONDO:0016244.

gnomAD v4.1: 2 of 1,611,384 alleles (0.00012%); highest among the groups gnomAD compares: South Asian, 0.0011%; no homozygotes.

Submissions (2):

Genomenon, Inc
Classification: Uncertain significance for Atypical hemolytic-uremic syndrome. Last evaluated: 2025-09-26. Review status: criteria provided, single submitter. Criteria: Genomenon Sequence Variant Interpretation Standards - Updated. Collection method: curation. Allele origin: germline. Affected: yes.
Comment: CFI p.Trp486Arg (c.1456T>C) is a missense variant that changes the amino acid at residue 486 from Tryptophan to Arginine. This variant has been observed in at least one proband affected with atypical hemolytic-uremic syndrome (PMID:28750931). It is absent or not present at a significant frequency in gnomAD. In conclusion, we classify CFI p.Trp486Arg (c.1456T>C) as a variant of unknown significance.

Labcorp Genetics (formerly Invitae), Labcorp
Classification: Uncertain significance. Last evaluated: 2025-03-27. Review status: criteria provided, single submitter. Criteria: Invitae Variant Classification Sherloc (09022015). Collection method: clinical testing. Allele origin: germline.
Comment: This sequence change replaces tryptophan, which is neutral and slightly polar, with arginine, which is basic and polar, at codon 486 of the CFI protein (p.Trp486Arg). This variant is not present in population databases (gnomAD no frequency). This missense change has been observed in individual(s) with CFI-related conditions (PMID: 27268256, 28750931). Invitae Evidence Modeling of protein sequence and biophysical properties (such as structural, functional, and spatial information, amino acid conservation, physicochemical variation, residue mobility, and thermodynamic stability) indicates that this missense variant is expected to disrupt CFI protein function with a positive predictive value of 80%. In summary, the available evidence is currently insufficient to determine the role of this variant in disease. Therefore, it has been classified as a Variant of Uncertain Significance.

Literature cited by the submitters: PubMed 28750931 (cited by Genomenon, Inc and Labcorp Genetics (formerly Invitae), Labcorp); PubMed 27268256 (cited by Labcorp Genetics (formerly Invitae), Labcorp).

NM_000204.5(CFI):c.1456T>C (p.Trp486Arg)

Gene: CFI (complement factor I; minus strand). Cytogenetic location: 4q25.
Variant type: single nucleotide variant.
Coding change: c.1456T>C on transcript NM_000204.5 (MANE Select); coding-DNA position 1456, T replaced by C.
Protein change: p.Trp486Arg; replaces tryptophan 486 with arginine.
Molecular consequence: missense variant. On other transcripts: non-coding transcript variant (3).
Genome position (GRCh38, 1-based): chr4:109,742,569, A>G on the plus strand (T>C on the coding strand, the complement: CFI is on the minus strand). VCF-style: chr4-109742569-A-G. GRCh37 (hg19) VCF-style: chr4-110663725-A-G.
Other names: c.1480T>C, p.Trp494Arg (NM_001318057.2, NM_001375278.1, NM_001440988.1); c.1435T>C, p.Trp479Arg (NM_001375280.1, NM_001375282.1, NM_001331035.2 and 1 more transcripts); c.1456T>C, p.Trp486Arg (NM_001375281.1, NM_001375279.1, NM_001440989.1); c.1399T>C, p.Trp467Arg (NM_001375283.1); c.847T>C, p.Trp283Arg (NM_001375284.1); c.1477T>C, p.Trp493Arg (NM_001440985.1, NM_001440986.1); short protein forms W283R, W467R, W479R, W486R, W493R, W494R.
Identifiers: ClinVar variation 4280566 (VCV004280566.2).